The following is an entry in ClinVar:

ClinVar aggregate classification (germline): Conflicting classifications of pathogenicity. Review status: criteria provided, conflicting classifications (1 of 4 stars). 5 submissions from 5 submitters: Uncertain significance (4); Likely benign (1). Last evaluated 2025-08-14.

Conditions:
Hereditary cancer-predisposing syndrome. Also called: Hereditary neoplastic syndrome; Neoplastic Syndromes, Hereditary; Tumor predisposition; Hereditary Cancer Syndrome. Identifiers: Orphanet 140162, MedGen C0027672, MeSH D009386, MONDO:0015356.
Hereditary breast ovarian cancer syndrome. Also called: Hereditary breast and ovarian cancer syndrome; Hereditary breast and/or ovarian cancer syndrome; BRCA1- and BRCA2-Associated Hereditary Breast and Ovarian Cancer; Hereditary breast and ovarian cancer syndrome (HBOC); Hereditary breast and ovarian cancer; Breast and ovarian cancer. Identifiers: Orphanet 145, MedGen C0677776, MeSH D061325, MONDO:0003582. Disease mechanism: loss of function.
Breast-ovarian cancer, familial, susceptibility to, 2 (BROVCA2). Also called: BRCA2 Hereditary Breast and Ovarian Cancer. Identifiers: Orphanet 145, MedGen C2675520, MONDO:0012933, OMIM 612555. Disease mechanism: loss of function.

Allele frequency attached by ClinVar (database versions not stated): gnomAD exomes below 0.00001.
gnomAD v4.1: 1 of 1,590,116 alleles (0.000063%); highest among the groups gnomAD compares: Non-Finnish European, 0.000085%; no homozygotes.

Submissions (5):

Ambry Genetics
Classification: Uncertain significance for Hereditary cancer-predisposing syndrome. Last evaluated: 2025-08-14. Review status: criteria provided, single submitter. Criteria: Ambry Variant Classification Scheme 2023. Collection method: clinical testing. Allele origin: germline.
Comment: The p.N319D variant (also known as c.955A>G), located in coding exon 9 of the BRCA2 gene, results from an A to G substitution at nucleotide position 955. The asparagine at codon 319 is replaced by aspartic acid, an amino acid with highly similar properties. This amino acid position is not well conserved in available vertebrate species. In addition, this alteration is predicted to be tolerated by in silico analysis. Since supporting evidence is limited at this time, the clinical significance of this alteration remains unclear.

Labcorp Genetics (formerly Invitae), Labcorp
Classification: Uncertain significance for Hereditary breast ovarian cancer syndrome. Last evaluated: 2025-03-05. Review status: criteria provided, single submitter. Criteria: Invitae Variant Classification Sherloc (09022015). Collection method: clinical testing. Allele origin: germline.
Comment: This sequence change replaces asparagine, which is neutral and polar, with aspartic acid, which is acidic and polar, at codon 319 of the BRCA2 protein (p.Asn319Asp). This variant is not present in population databases (gnomAD no frequency). This missense change has been observed in individual(s) with breast or ovarian cancer (PMID: 32772980). ClinVar contains an entry for this variant (Variation ID: 409600). Invitae Evidence Modeling of protein sequence and biophysical properties (such as structural, functional, and spatial information, amino acid conservation, physicochemical variation, residue mobility, and thermodynamic stability) indicates that this missense variant is not expected to disrupt BRCA2 protein function with a negative predictive value of 95%. In summary, the available evidence is currently insufficient to determine the role of this variant in disease. Therefore, it has been classified as a Variant of Uncertain Significance.

All of Us Research Program, National Institutes of Health
Classification: Uncertain significance for Breast-ovarian cancer, familial, susceptibility to, 2. Last evaluated: 2023-06-26. Review status: criteria provided, single submitter. Criteria: ACMG Guidelines, 2015. Collection method: clinical testing. Allele origin: germline. Inheritance: Autosomal dominant inheritance. Observed: 1 variant allele, 1 heterozygote.
Comment: This missense variant replaces asparagine with aspartic acid at codon 319 of the BRCA2 protein. Computational prediction suggests that this variant may not impact protein structure and function (internally defined REVEL score threshold <= 0.5, PMID: 27666373). To our knowledge, functional studies have not been reported for this variant. This variant has been detected in an individual affected with breast cancer (PMID: 32772980). This variant has not been identified in the general population by the Genome Aggregation Database (gnomAD). The available evidence is insufficient to determine the role of this variant in disease conclusively. Therefore, this variant is classified as a Variant of Uncertain Significance.

This study involves interpretation of variants in research participants for the purpose of population health screening. Participant phenotype was not available at the time of variant classification. Additional details can be found in publication PMID: 35346344, PMCID: PMC8962531

Color Diagnostics, LLC DBA Color Health
Classification: Uncertain significance for Hereditary cancer-predisposing syndrome. Last evaluated: 2023-04-11. Review status: criteria provided, single submitter. Criteria: ACMG Guidelines, 2015. Collection method: clinical testing. Allele origin: germline.
Comment: This missense variant replaces asparagine with aspartic acid at codon 319 of the BRCA2 protein. Computational prediction suggests that this variant may not impact protein structure and function (internally defined REVEL score threshold <= 0.5, PMID: 27666373). To our knowledge, functional studies have not been reported for this variant. This variant has been detected in an individual affected with breast cancer (PMID: 32772980). This variant has not been identified in the general population by the Genome Aggregation Database (gnomAD). The available evidence is insufficient to determine the role of this variant in disease conclusively. Therefore, this variant is classified as a Variant of Uncertain Significance.

University of Washington Department of Laboratory Medicine, University of Washington
Classification: Likely benign for Hereditary cancer-predisposing syndrome. Last evaluated: 2023-03-23. Review status: criteria provided, single submitter. Criteria: Dines et al. (Genet Med. 2020). Collection method: curation. Allele origin: germline.
Comment: Missense variant in a coldspot region where missense variants are very unlikely to be pathogenic (PMID:31911673).

BRCA2 exon 10 coldspot. Reclassification based on statistical prior probability.

Literature cited by the submitters: PubMed 32772980 (cited by 4 submitters).

NM_000059.4(BRCA2):c.955A>G (p.Asn319Asp)

Gene: BRCA2 (BRCA2 DNA repair associated; plus strand). Cytogenetic location: 13q13.1.
Variant type: single nucleotide variant.
Coding change: c.955A>G on transcript NM_000059.4 (MANE Select); coding-DNA position 955, A replaced by G.
Protein change: p.Asn319Asp; replaces asparagine 319 with aspartic acid.
Molecular consequence: missense variant.
Genome position (GRCh38, 1-based): chr13:32,332,433, A>G. VCF-style: chr13-32332433-A-G. GRCh37 (hg19) VCF-style: chr13-32906570-A-G.
Other names: short protein forms N319D.
Identifiers: ClinVar variation 409600 (VCV000409600.24), dbSNP rs1060502491, ClinGen allele CA16614103.